The following is an entry in ClinVar:

ClinVar aggregate classification (germline): Uncertain significance. Review status: criteria provided, multiple submitters, no conflicts (2 of 4 stars). 2 submissions from 2 submitters: Uncertain significance (2). Last evaluated 2023-08-10.

Allele frequency attached by ClinVar (database versions not stated): gnomAD exomes 0.00001 and 0.00003; TOPMed 0.00001; ExAC 0.00003.
gnomAD v4.1: 9 of 1,614,164 alleles (0.00056%); highest among the groups gnomAD compares: East Asian, 0.0089%; no homozygotes.

Submissions (2):

Labcorp Genetics (formerly Invitae), Labcorp
Classification: Uncertain significance. Last evaluated: 2023-08-10. Review status: criteria provided, single submitter. Criteria: Invitae Variant Classification Sherloc (09022015). Collection method: clinical testing. Allele origin: germline.
Comment: This sequence change replaces glycine, which is neutral and non-polar, with serine, which is neutral and polar, at codon 257 of the TRPM1 protein (p.Gly257Ser). This variant is present in population databases (rs373820045, gnomAD 0.02%). This variant has not been reported in the literature in individuals affected with TRPM1-related conditions. ClinVar contains an entry for this variant (Variation ID: 848020). Advanced modeling of protein sequence and biophysical properties (such as structural, functional, and spatial information, amino acid conservation, physicochemical variation, residue mobility, and thermodynamic stability) has been performed at Invitae for this missense variant, however the output from this modeling did not meet the statistical confidence thresholds required to predict the impact of this variant on TRPM1 protein function. In summary, the available evidence is currently insufficient to determine the role of this variant in disease. Therefore, it has been classified as a Variant of Uncertain Significance.

Blueprint Genetics
Classification: Uncertain significance. Last evaluated: 2021-08-19. Review status: criteria provided, single submitter. Criteria: ACMG Guidelines, 2015. Collection method: clinical testing. Allele origin: germline.

NM_001252024.2(TRPM1):c.835G>A (p.Gly279Ser)

Gene: TRPM1 (transient receptor potential cation channel subfamily M member 1; minus strand). Cytogenetic location: 15q13.3.
Variant type: single nucleotide variant.
Coding change: c.835G>A on transcript NM_001252024.2 (MANE Select); coding-DNA position 835, G replaced by A.
Protein change: p.Gly279Ser; replaces glycine 279 with serine.
Molecular consequence: missense variant.
Genome position (GRCh38, 1-based): chr15:31,063,248, C>T on the plus strand (G>A on the coding strand, the complement: TRPM1 is on the minus strand). VCF-style: chr15-31063248-C-T. GRCh37 (hg19) VCF-style: chr15-31355451-C-T.
Other names: c.886G>A, p.Gly296Ser (NM_001252020.2); c.769G>A, p.Gly257Ser (NM_002420.6); short protein forms G279S, G296S, G257S.
Identifiers: ClinVar variation 848020 (VCV000848020.8), dbSNP rs373820045, ClinGen allele CA7452787.
Genomic context (GRCh38, chr15:31,063,248, plus strand): 5'-CCACAGGGATGGGAGGCTCTTCTTGCAGGTATTCCAAGACGATGGACACCACGTTAGGGC[C>T]CCCCTCCACCACGAGACCCACGAGGGGCACGCCCTGCCCCAGTCCTGCAACACAAACCAC-3'
Protein context (NP_001238953.1, residues 269-289): VPLVGLVVEG[Gly279Ser]PNVVSIVLEY